The following is an entry in ClinVar:

ClinVar aggregate classification (germline): Pathogenic (1 of 4 stars; one submission).

Conditions:
Familial thoracic aortic aneurysm and aortic dissection (TAAD). Also called: Thoracic aortic aneurysms and dissections. Identifiers: Orphanet 91387, MedGen C4707243, MONDO:0019625.

Submission:

Ambry Genetics
Classification: Pathogenic for Familial thoracic aortic aneurysm and aortic dissection. Last evaluated: 2017-12-29. Review status: criteria provided, single submitter. Criteria: Ambry Variant Classification Scheme 2023. Collection method: clinical testing. Allele origin: germline.
Comment: The c.1891delA pathogenic mutation, located in coding exon 15 of the FBN1 gene, results from a deletion of one nucleotide at nucleotide position 1891, causing a translational frameshift with a predicted alternate stop codon (p.T631Lfs*87). This alteration is expected to result in loss of function by premature protein truncation or nonsense-mediated mRNA decay. As such, this alteration is interpreted as a disease-causing mutation.

NM_000138.5(FBN1):c.1891del (p.Thr631fs)

Gene: FBN1 (fibrillin 1; minus strand). Cytogenetic location: 15q21.1.
Variant type: Deletion.
Coding change: c.1891del on transcript NM_000138.5 (MANE Select); coding-DNA position 1891, one base deleted (A; older notation c.1891delA).
Protein change: p.Thr631fs; shifts the reading frame from threonine 631.
Molecular consequence: frameshift variant.
Genome position (GRCh38, 1-based): chr15:48,505,094, T deleted on the plus strand (A on the coding strand, the reverse complement: FBN1 is on the minus strand). VCF-style (leftmost placement, unchanged base first): chr15-48505093-GT-G. GRCh37 (hg19) VCF-style: chr15-48797290-GT-G.
Other names: c.1891delA, p.Thr631Leufs (NM_001406716.1); short protein forms T631fs.
Identifiers: ClinVar variation 1782080 (VCV001782080.2), dbSNP rs2505594996, ClinGen allele CA2580089622.
Genomic context (GRCh38, chr15:48,505,093, plus strand): 5'-ACACGGCCATCCAGACCCACAGCCAGTCCAGGGAAGCATTCACATCTGTAGGAGCCATCA[GT>G]GTTGACGCAACGCCCATTCATGCAGATCCCAGGGGTTTCACACTCGTTAATGTCTGTGGC-3'